The following is an entry in ClinVar:

ClinVar aggregate classification (germline): Uncertain significance (1 of 4 stars; one submission).

Submission:

GeneDx
Classification: Uncertain significance. Last evaluated: 2024-03-20. Review status: criteria provided, single submitter. Criteria: GeneDx Variant Classification Process June 2021. Collection method: clinical testing. Allele origin: germline. Affected: yes.
Comment: Not observed at significant frequency in large population cohorts (gnomAD); In silico analysis supports that this missense variant does not alter protein structure/function; Has not been previously published as pathogenic or benign to our knowledge

NM_001372044.2(SHANK3):c.1827C>A (p.Asp609Glu)

Gene: SHANK3 (SH3 and multiple ankyrin repeat domains 3; plus strand). Cytogenetic location: 22q13.33.
Variant type: single nucleotide variant.
Coding change: c.1827C>A on transcript NM_001372044.2 (MANE Select); coding-DNA position 1827, C replaced by A.
Protein change: p.Asp609Glu; replaces aspartic acid 609 with glutamic acid.
Molecular consequence: missense variant.
Genome position (GRCh38, 1-based): chr22:50,698,793, C>A. VCF-style: chr22-50698793-C-A. GRCh37 (hg19) VCF-style: chr22-51137221-C-A.
Other names: c.1602C>A, p.Asp534Glu (NM_033517.1); short protein forms D534E, D609E.
Identifiers: ClinVar variation 2136076 (VCV002136076.2), dbSNP rs759525497, ClinGen allele CA515255576.
Genomic context (GRCh38, chr22:50,698,793, plus strand): 5'-AGGCCGCACGGGCTGGTTCCCGGCCGACTGCGTGGAGGAAGTGCAGATGAGGCAGCATGA[C>A]ACACGGCCTGGTGAGTGACCCCACGGCTCCCCGGGCAGCTCCCAAGGGGACCACCCCTTC-3'
Protein context (NP_001358973.1, residues 599-619): CVEEVQMRQH[Asp609Glu]TRPETREDRT